The following is an entry in ClinVar:

NM_000487.6(ARSA):c.295C>T (p.Arg99Trp)

Gene: ARSA (arylsulfatase A; minus strand). Cytogenetic location: 22q13.33.
Variant type: single nucleotide variant.
Coding change: c.295C>T on transcript NM_000487.6 (MANE Select); coding-DNA position 295, C replaced by T.
Protein change: p.Arg99Trp; replaces arginine 99 with tryptophan.
Molecular consequence: missense variant.
Genome position (GRCh38, 1-based): chr22:50,627,336, G>A on the plus strand (C>T on the coding strand, the complement: ARSA is on the minus strand). VCF-style: chr22-50627336-G-A. GRCh37 (hg19) VCF-style: chr22-51065764-G-A.
Other names: c.295C>T, p.Arg99Trp (NM_001085425.3, NM_001085426.3, NM_001085427.3); c.37C>T, p.Arg13Trp (NM_001085428.3, NM_001362782.2); short protein forms R13W, R99W.
Identifiers: ClinVar variation 2044525 (VCV002044525.1), dbSNP rs1447282658, ClinGen allele CA412181512.

ClinVar aggregate classification (germline): Uncertain significance (1 of 4 stars; one submission).

Conditions:
Metachromatic leukodystrophy (MLD). Also called: METACHROMATIC LEUKOENCEPHALOPATHY; SULFATIDE LIPIDOSIS; ARSA DEFICIENCY; CEREBROSIDE SULFATASE DEFICIENCY; Cerebral sclerosis diffuse metachromatic form; Arylsulfatase A Deficiency. Identifiers: Orphanet 512, MedGen C0023522, MONDO:0018868, OMIM 250100.

Allele frequency attached by ClinVar (database versions not stated): TOPMed below 0.00001.

Submission:

Labcorp Genetics (formerly Invitae), Labcorp
Classification: Uncertain significance for Metachromatic leukodystrophy. Last evaluated: 2022-06-28. Review status: criteria provided, single submitter. Criteria: Invitae Variant Classification Sherloc (09022015). Collection method: clinical testing. Allele origin: germline.
Comment: This sequence change replaces arginine, which is basic and polar, with tryptophan, which is neutral and slightly polar, at codon 99 of the ARSA protein (p.Arg99Trp). The frequency data for this variant in the population databases is considered unreliable, as metrics indicate poor data quality at this position in the gnomAD database. This variant has not been reported in the literature in individuals affected with ARSA-related conditions. Advanced modeling of protein sequence and biophysical properties (such as structural, functional, and spatial information, amino acid conservation, physicochemical variation, residue mobility, and thermodynamic stability) performed at Invitae indicates that this missense variant is expected to disrupt ARSA protein function. In summary, the available evidence is currently insufficient to determine the role of this variant in disease. Therefore, it has been classified as a Variant of Uncertain Significance.